The following is an entry in ClinVar:

ClinVar aggregate classification (germline): Likely benign. Review status: criteria provided, multiple submitters, no conflicts (2 of 4 stars). 2 submissions from 2 submitters: Likely benign (2). Last evaluated 2024-10-15.

Conditions:
Catecholaminergic polymorphic ventricular tachycardia (CVPT). Also called: Catecholamine-induced polymorphic ventricular tachycardia. Identifiers: Orphanet 3286, MedGen C5574922, MONDO:0017990.
Catecholaminergic polymorphic ventricular tachycardia 1. Also called: VENTRICULAR TACHYCARDIA, CATECHOLAMINERGIC POLYMORPHIC, 1, WITH OR WITHOUT ATRIAL DYSFUNCTION AND/OR DILATED CARDIOMYOPATHY; VENTRICULAR TACHYCARDIA, STRESS-INDUCED POLYMORPHIC 1; RYR2-Related Catecholaminergic Polymorphic Ventricular Tachycardia. Identifiers: Orphanet 3286, MedGen C1631597, MONDO:0011484, OMIM 604772.

gnomAD v4.1: 4 of 1,613,084 alleles (0.00025%); highest among the groups gnomAD compares: South Asian, 0.0022%; no homozygotes.

Submissions (2):

Labcorp Genetics (formerly Invitae), Labcorp
Classification: Likely benign for Catecholaminergic polymorphic ventricular tachycardia 1. Last evaluated: 2024-10-15. Review status: criteria provided, single submitter. Criteria: Invitae Variant Classification Sherloc (09022015). Collection method: clinical testing. Allele origin: germline.

All of Us Research Program, National Institutes of Health
Classification: Likely benign for Catecholaminergic polymorphic ventricular tachycardia. Last evaluated: 2024-05-14. Review status: criteria provided, single submitter. Criteria: ACMG Guidelines, 2015. Collection method: clinical testing. Allele origin: germline. Inheritance: Autosomal dominant inheritance. Observed: 1 variant allele, 1 heterozygote.
Comment: This study involves interpretation of variants in research participants for the purpose of population health screening. Participant phenotype was not available at the time of variant classification. Additional details can be found in publication PMID: 35346344, PMCID: PMC8962531

NM_001035.3(RYR2):c.4176A>G (p.Arg1392=)

Gene: RYR2 (ryanodine receptor 2; plus strand). Cytogenetic location: 1q43.
Variant type: single nucleotide variant.
Coding change: c.4176A>G on transcript NM_001035.3 (MANE Select); coding-DNA position 4176, A replaced by G.
Protein change: p.Arg1392=; no amino-acid change (arginine 1392 retained).
Molecular consequence: synonymous variant.
Genome position (GRCh38, 1-based): chr1:237,591,754, A>G. VCF-style: chr1-237591754-A-G. GRCh37 (hg19) VCF-style: chr1-237755054-A-G.
Identifiers: ClinVar variation 1621628 (VCV001621628.10), dbSNP rs2148445989, ClinGen allele CA423819792.